The following is an entry in ClinVar:

ClinVar aggregate classification (germline): Uncertain significance (1 of 4 stars; one submission).

Conditions:
Arrhythmogenic right ventricular dysplasia 8 (ARVD8). Also called: Arrhythmogenic Right Ventricular Dysplasia/Cardiomyopathy 8; ARRHYTHMOGENIC RIGHT VENTRICULAR DYSPLASIA, FAMILIAL, 8; ARRHYTHMOGENIC RIGHT VENTRICULAR CARDIOMYOPATHY 8. Identifiers: MedGen C1843896, MONDO:0011831, OMIM 607450.
Arrhythmogenic cardiomyopathy with wooly hair and keratoderma. Also called: Carvajal syndrome; PALMOPLANTAR KERATODERMA WITH LEFT VENTRICULAR CARDIOMYOPATHY AND WOOLLY HAIR; Dilated cardiomyopathy with woolly hair and keratoderma; Arrhythmogenic cardiomyopathy with woolly hair and keratoderma. Identifiers: Orphanet 65282, MedGen C1854063, MONDO:0011581, OMIM 605676.

Submission:

Labcorp Genetics (formerly Invitae), Labcorp
Classification: Uncertain significance for Arrhythmogenic cardiomyopathy with wooly hair and keratoderma; Arrhythmogenic right ventricular dysplasia 8. Last evaluated: 2025-07-17. Review status: criteria provided, single submitter. Criteria: Invitae Variant Classification Sherloc (09022015). Collection method: clinical testing. Allele origin: germline.
Comment: This sequence change replaces lysine, which is basic and polar, with arginine, which is basic and polar, at codon 1339 of the DSP protein (p.Lys1339Arg). This variant is not present in population databases (gnomAD no frequency). This variant has not been reported in the literature in individuals affected with DSP-related conditions. ClinVar contains an entry for this variant (Variation ID: 1357145). An algorithm developed to predict the effect of missense changes on protein structure and function outputs the following: PolyPhen-2: "Benign". The arginine amino acid residue is found in multiple mammalian species, which suggests that this missense change does not adversely affect protein function. In summary, the available evidence is currently insufficient to determine the role of this variant in disease. Therefore, it has been classified as a Variant of Uncertain Significance.

NM_004415.4(DSP):c.4016A>G (p.Lys1339Arg)

Gene: DSP (desmoplakin; plus strand). Cytogenetic location: 6p24.3.
Variant type: single nucleotide variant.
Coding change: c.4016A>G on transcript NM_004415.4 (MANE Select); coding-DNA position 4016, A replaced by G.
Protein change: p.Lys1339Arg; replaces lysine 1339 with arginine.
Molecular consequence: missense variant. On other transcripts: intron variant (1).
Genome position (GRCh38, 1-based): chr6:7,580,206, A>G. VCF-style: chr6-7580206-A-G. GRCh37 (hg19) VCF-style: chr6-7580439-A-G.
Other names: c.4016A>G, p.Lys1339Arg (NM_001319034.2); c.3582+434A>G (NM_001008844.3); short protein forms K1339R.
Identifiers: ClinVar variation 1357145 (VCV001357145.8), dbSNP rs1759379431, ClinGen allele CA362685363.